The following is an entry in ClinVar:

NM_001267550.2(TTN):c.75787A>C (p.Ser25263Arg)

Genes: TTN (titin; minus strand), TTN-AS1 (TTN antisense RNA 1; plus strand). Cytogenetic location: 2q31.2.
Variant type: single nucleotide variant.
Coding change: c.75787A>C on transcript NM_001267550.2 (MANE Select); coding-DNA position 75787, A replaced by C.
Protein change: p.Ser25263Arg; replaces serine 25263 with arginine.
Molecular consequence: missense variant.
Genome position (GRCh38, 1-based): chr2:178,570,345, T>G on the plus strand (A>C on the coding strand, the complement: TTN is on the minus strand). VCF-style: chr2-178570345-T-G. GRCh37 (hg19) VCF-style: chr2-179435072-T-G.
Other names: c.70864A>C, p.Ser23622Arg (NM_001256850.1); c.48592A>C, p.Ser16198Arg (NM_003319.4); c.68083A>C, p.Ser22695Arg (NM_133378.4); c.48967A>C, p.Ser16323Arg (NM_133432.3); c.49168A>C, p.Ser16390Arg (NM_133437.4); short protein forms S16198R, S22695R, S25263R, S16323R, S16390R, S23622R.
Identifiers: ClinVar variation 4996893 (VCV004996893.1).

ClinVar aggregate classification (germline): Uncertain significance (1 of 4 stars; one submission).

Conditions:
TTN-related disorder. Also called: TTN-related disorders; TTN-related condition; TTN-related disease.

Submission:

PreventionGenetics, part of Exact Sciences
Classification: Uncertain significance for TTN-related condition. Last evaluated: 2025-04-09. Review status: criteria provided, single submitter. Criteria: ACMG Guidelines, 2015. Collection method: clinical testing. Allele origin: germline.
Comment: The TTN c.75787A>C variant is predicted to result in the amino acid substitution p.Ser25263Arg. To our knowledge, this variant has not been reported in the literature or in a large population database (gnomAD), indicating this variant is rare. At this time, the clinical significance of this variant is uncertain due to the absence of conclusive functional and genetic evidence.